The following is an entry in ClinVar:

NM_020442.6(VARS2):c.715T>C (p.Ser239Pro)

Gene: VARS2 (valyl-tRNA synthetase 2, mitochondrial; plus strand). Cytogenetic location: 6p21.33.
Variant type: single nucleotide variant.
Coding change: c.715T>C on transcript NM_020442.6 (MANE Select); coding-DNA position 715, T replaced by C.
Protein change: p.Ser239Pro; replaces serine 239 with proline.
Molecular consequence: missense variant.
Genome position (GRCh38, 1-based): chr6:30,916,921, T>C. VCF-style: chr6-30916921-T-C. GRCh37 (hg19) VCF-style: chr6-30884698-T-C.
Other names: c.805T>C (NM_001167734.1); c.295T>C, p.Ser99Pro (NM_001167733.3); c.805T>C, p.Ser269Pro (NM_001167734.2); short protein forms S99P, S239P, S269P.
Identifiers: ClinVar variation 1415285 (VCV001415285.6), dbSNP rs1442668714, ClinGen allele CA363169086.

ClinVar aggregate classification (germline): Uncertain significance. Review status: criteria provided, multiple submitters, no conflicts (2 of 4 stars). 2 submissions from 2 submitters: Uncertain significance (2). Last evaluated 2025-11-26.

Conditions:
Inborn genetic diseases. Identifiers: MedGen C0950123, MeSH D030342.

Allele frequency attached by ClinVar (database versions not stated): gnomAD exomes 0.00001 and below 0.00001; gnomAD 0.00001; TOPMed 0.00002.
gnomAD v4.1: 3 of 1,614,078 alleles (0.00019%); highest among the groups gnomAD compares: Admixed American, 0.0033%; no homozygotes.

Submissions (2):

Ambry Genetics
Classification: Uncertain significance for Inborn genetic diseases. Last evaluated: 2025-11-26. Review status: criteria provided, single submitter. Criteria: Ambry Variant Classification Scheme 2023. Collection method: clinical testing. Allele origin: germline.

Labcorp Genetics (formerly Invitae), Labcorp
Classification: Uncertain significance. Last evaluated: 2024-12-09. Review status: criteria provided, single submitter. Criteria: Invitae Variant Classification Sherloc (09022015). Collection method: clinical testing. Allele origin: germline.
Comment: This sequence change replaces serine, which is neutral and polar, with proline, which is neutral and non-polar, at codon 269 of the VARS2 protein (p.Ser269Pro). This variant is present in population databases (no rsID available, gnomAD 0.006%). This variant has not been reported in the literature in individuals affected with VARS2-related conditions. ClinVar contains an entry for this variant (Variation ID: 1415285). Invitae Evidence Modeling of protein sequence and biophysical properties (such as structural, functional, and spatial information, amino acid conservation, physicochemical variation, residue mobility, and thermodynamic stability) indicates that this missense variant is expected to disrupt VARS2 protein function with a positive predictive value of 80%. In summary, the available evidence is currently insufficient to determine the role of this variant in disease. Therefore, it has been classified as a Variant of Uncertain Significance.